The following is an entry in ClinVar:

ClinVar aggregate classification (germline): Uncertain significance. Review status: criteria provided, multiple submitters, no conflicts (2 of 4 stars). 2 submissions from 2 submitters: Uncertain significance (2). Last evaluated 2025-07-15.

Conditions:
Inborn genetic diseases. Identifiers: MedGen C0950123, MeSH D030342.

Allele frequency attached by ClinVar (database versions not stated): gnomAD 0.00001; ExAC 0.00002; gnomAD exomes 0.00002 and 0.00004; TOPMed 0.00002.
gnomAD v4.1: 15 of 1,614,082 alleles (0.00093%); highest among the groups gnomAD compares: Admixed American, 0.02%; no homozygotes.

Submissions (2):

Ambry Genetics
Classification: Uncertain significance for Inborn genetic diseases. Last evaluated: 2025-07-15. Review status: criteria provided, single submitter. Criteria: Ambry Variant Classification Scheme 2023. Collection method: clinical testing. Allele origin: germline.

GeneDx
Classification: Uncertain significance. Last evaluated: 2019-12-17. Review status: criteria provided, single submitter. Criteria: GeneDx Variant Classification Process June 2021. Collection method: clinical testing. Allele origin: germline. Affected: yes.
Comment: In silico analysis, which includes protein predictors and evolutionary conservation, supports a deleterious effect; Has not been previously published as pathogenic or benign to our knowledge

NM_003124.5(SPR):c.656G>A (p.Arg219Gln)

Gene: SPR (sepiapterin reductase; plus strand). Cytogenetic location: 2p13.2.
Variant type: single nucleotide variant.
Coding change: c.656G>A on transcript NM_003124.5 (MANE Select); coding-DNA position 656, G replaced by A.
Protein change: p.Arg219Gln; replaces arginine 219 with glutamine.
Molecular consequence: missense variant.
Genome position (GRCh38, 1-based): chr2:72,891,407, G>A. VCF-style: chr2-72891407-G-A. GRCh37 (hg19) VCF-style: chr2-73118536-G-A.
Other names: short protein forms R219Q.
Identifiers: ClinVar variation 1316028 (VCV001316028.3), dbSNP rs748158373, ClinGen allele CA1709016.